The following is an entry in ClinVar:

NM_002485.5(NBN):c.1914+1G>T

Genes: NBN (nibrin; minus strand), LOC126860438 (MED14-independent group 3 enhancer GRCh37_chr8:90959982-90961181; plus strand). Cytogenetic location: 8q21.3.
Variant type: single nucleotide variant.
Coding change: c.1914+1G>T on transcript NM_002485.5 (MANE Select); the canonical splice donor site of the intron after coding-DNA position 1914, G replaced by T.
Molecular consequence: splice donor variant.
Genome position (GRCh38, 1-based): chr8:89,947,823, C>A on the plus strand (G>T on the coding strand, the complement: NBN is on the minus strand). VCF-style: chr8-89947823-C-A. GRCh37 (hg19) VCF-style: chr8-90960051-C-A.
Other names: c.1668+1G>T (NM_001024688.3).
Identifiers: ClinVar variation 2125581 (VCV002125581.4), dbSNP rs2488209092, ClinGen allele CA371677178.

ClinVar aggregate classification (germline): Likely pathogenic (1 of 4 stars; one submission).

Conditions:
Microcephaly, normal intelligence and immunodeficiency (NBS). Also called: Nijmegen breakage syndrome; Microcephaly with normal intelligence immunodeficiency and lymphoreticular malignancies; Nonsyndromal microcephaly autosomal recessive with normal intelligence; Seemanova syndrome 2; Immunodeficiency, microcephaly with normal intelligence; Ataxia telangiectasia variant V1. Identifiers: Orphanet 647, MedGen C0398791, MONDO:0009623, OMIM 251260.

Submission:

Labcorp Genetics (formerly Invitae), Labcorp
Classification: Likely pathogenic for Microcephaly, normal intelligence and immunodeficiency. Last evaluated: 2022-04-12. Review status: criteria provided, single submitter. Criteria: Invitae Variant Classification Sherloc (09022015). Collection method: clinical testing. Allele origin: germline.
Comment: In summary, the currently available evidence indicates that the variant is pathogenic, but additional data are needed to prove that conclusively. Therefore, this variant has been classified as Likely Pathogenic. Algorithms developed to predict the effect of sequence changes on RNA splicing suggest that this variant may disrupt the consensus splice site. This variant has not been reported in the literature in individuals affected with NBN-related conditions. This variant is not present in population databases (gnomAD no frequency). This sequence change affects a donor splice site in intron 12 of the NBN gene. It is expected to disrupt RNA splicing. Variants that disrupt the donor or acceptor splice site typically lead to a loss of protein function (PMID: 16199547), and loss-of-function variants in NBN are known to be pathogenic (PMID: 9590180, 16415040).

Literature cited by the submitters: PubMed 16199547; PubMed 9590180; PubMed 16415040.